The following is an entry in ClinVar:

NM_000379.4(XDH):c.278G>A (p.Ser93Asn)

Gene: XDH (xanthine dehydrogenase; minus strand). Cytogenetic location: 2p23.1.
Variant type: single nucleotide variant.
Coding change: c.278G>A on transcript NM_000379.4 (MANE Select); coding-DNA position 278, G replaced by A.
Protein change: p.Ser93Asn; replaces serine 93 with asparagine.
Molecular consequence: missense variant.
Genome position (GRCh38, 1-based): chr2:31,401,248, C>T on the plus strand (G>A on the coding strand, the complement: XDH is on the minus strand). VCF-style: chr2-31401248-C-T. GRCh37 (hg19) VCF-style: chr2-31624114-C-T.
Other names: short protein forms S93N.
Identifiers: ClinVar variation 1373495 (VCV001373495.6), dbSNP rs2148006233, ClinGen allele CA346501587.

ClinVar aggregate classification (germline): Uncertain significance (1 of 4 stars; one submission).

Conditions:
Xanthinuria type II. Also called: Xanthine dehydrogenase and aldehyde oxidase combined deficiency of; XDH and AOX dual deficiency. Identifiers: Orphanet 3467, Orphanet 93602, MedGen C1863688, MONDO:0011346, OMIM 603592.

Submission:

Labcorp Genetics (formerly Invitae), Labcorp
Classification: Uncertain significance for Xanthinuria type II. Last evaluated: 2023-08-10. Review status: criteria provided, single submitter. Criteria: Invitae Variant Classification Sherloc (09022015). Collection method: clinical testing. Allele origin: germline.
Comment: In summary, the available evidence is currently insufficient to determine the role of this variant in disease. Therefore, it has been classified as a Variant of Uncertain Significance. Algorithms developed to predict the effect of missense changes on protein structure and function output the following: SIFT: "Not Available"; PolyPhen-2: "Benign"; Align-GVGD: "Not Available". The asparagine amino acid residue is found in multiple mammalian species, which suggests that this missense change does not adversely affect protein function. ClinVar contains an entry for this variant (Variation ID: 1373495). This variant has not been reported in the literature in individuals affected with XDH-related conditions. This variant is not present in population databases (gnomAD no frequency). This sequence change replaces serine, which is neutral and polar, with asparagine, which is neutral and polar, at codon 93 of the XDH protein (p.Ser93Asn).